The following is an entry in ClinVar:

NM_003000.3(SDHB):c.756_765+4del

Gene: SDHB (succinate dehydrogenase complex iron sulfur subunit B; minus strand). Cytogenetic location: 1p36.13.
Variant type: Deletion.
Coding change: c.756_765+4del on transcript NM_003000.3 (MANE Select); coding-DNA position 756 through 4 bases into the intron after coding-DNA position 765, 14 bases deleted (CTGTCCTAAGGTAC).
Molecular consequence: splice donor variant.
Genome position (GRCh38, 1-based): chr1:17,022,604-17,022,617, GTACCTTAGGACAG deleted on the plus strand (CTGTCCTAAGGTAC on the coding strand, the reverse complement: SDHB is on the minus strand); deleting any 14 consecutive bases within chr1:17,022,604-17,022,619 gives the same sequence; the c. name uses the placement nearest the transcript's 3' end. VCF-style (leftmost placement, unchanged base first): chr1-17022603-CGTACCTTAGGACAG-C. GRCh37 (hg19) VCF-style: chr1-17349098-CGTACCTTAGGACAG-C.
Other names: c.756_765+4delCTGTCCTAAGGTAC (NM_003000.2).
Identifiers: ClinVar variation 459171 (VCV000459171.5), dbSNP rs1553177267, ClinGen allele CA658656880.

ClinVar aggregate classification (germline): Likely pathogenic (1 of 4 stars; one submission).

Conditions:
Pheochromocytoma. Also called: MAX-Related Hereditary Paraganglioma-Pheochromocytoma Syndrome. Identifiers: Orphanet 29072, MedGen C0031511, MONDO:0008233, OMIM 171300, HP:0002666.
Pheochromocytoma/paraganglioma syndrome 4. Also called: SDHB-Related Hereditary Paraganglioma-Pheochromocytoma Syndrome (Paragangliomas 4); CAROTID BODY TUMORS AND MULTIPLE EXTRAADRENAL PHEOCHROMOCYTOMAS; PARAGANGLIOMA, FAMILIAL MALIGNANT; PARAGANGLIOMAS, HEREDITARY EXTRAADRENAL; SDHB-Related Hereditary Paraganglioma-Pheochromocytoma Syndrome; PHEOCHROMOCYTOMA, FAMILIAL EXTRAADRENAL. Identifiers: Orphanet 29072, MedGen C1861848, MONDO:0007273, OMIM 115310.
Gastrointestinal stromal tumor. Also called: Gastrointestinal stroma tumor; Gastrointestinal stromal tumor, somatic. Identifiers: Orphanet 44890, MedGen C0238198, MeSH D046152, MONDO:0011719, OMIM 606764, HP:0100723.

Submission:

Labcorp Genetics (formerly Invitae), Labcorp
Classification: Likely pathogenic for Gastrointestinal stromal tumor; Pheochromocytoma/paraganglioma syndrome 4; Pheochromocytoma. Last evaluated: 2018-06-19. Review status: criteria provided, single submitter. Criteria: Invitae Variant Classification Sherloc (09022015). Collection method: clinical testing. Allele origin: germline.
Comment: This variant is not present in population databases (ExAC no frequency). This sequence change deletes 14 nucleotides from the exon/intron boundary of exon 7 of the SDHB gene, including nucleotides that affect the donor splice site in the last intron (intron 7). While this is not anticipated to result in nonsense mediated decay, it likely alters RNA splicing and results in a disrupted protein product. Nucleotide substitutions within the consensus splice site are a relatively common cause of aberrant splicing (PMID: 17576681, 9536098). Algorithms developed to predict the effect of sequence changes on RNA splicing suggest that this variant may disrupt the consensus splice site, but this prediction has not been confirmed by published transcriptional studies. A different variant affecting the donor splice site c.765+1G>A (also known as 899+1G>A) has been observed in an individual with malignant paraganglioma or pheochromocytoma (PMID: 15328326). In addition, truncations (p.Ile263Tyrfs*12, p.Ile263Serfs*13) that lie downstream of this variant have been determined to be likely pathogenic (Invitae). This suggests that disruption of this region of the SDHB protein is causative of disease. ClinVar contains an entry for this variant (Variation ID: 459171). In summary, the currently available evidence indicates that the variant is pathogenic, but additional data are needed to prove that conclusively. Therefore, this variant has been classified as Likely Pathogenic.

Literature cited by the submitters: PubMed 17576681; PubMed 9536098; PubMed 15328326.